The following is an entry in ClinVar:

NM_000404.4(GLB1):c.1654dup (p.Tyr552fs)

Gene: GLB1 (galactosidase beta 1; minus strand). Cytogenetic location: 3p22.3.
Variant type: Duplication.
Coding change: c.1654dup on transcript NM_000404.4 (MANE Select); coding-DNA position 1654, one base duplicated (T; older notation c.1654dupT).
Protein change: p.Tyr552fs; shifts the reading frame from tyrosine 552.
Molecular consequence: frameshift variant.
Genome position (GRCh38, 1-based): chr3:33,014,136, A duplicated on the plus strand (T on the coding strand, the reverse complement: GLB1 is on the minus strand); the first of 4 consecutive A bases (chr3:33,014,136-33,014,139); duplicating any one gives the same sequence. VCF-style (leftmost placement, unchanged base first): chr3-33014135-T-TA. GRCh37 (hg19) VCF-style: chr3-33055627-T-TA.
Other names: c.1564dup, p.Tyr522fs (NM_001079811.3); c.1261dup, p.Tyr421fs (NM_001135602.3); c.1798dup, p.Tyr600fs (NM_001317040.2); c.1654dup, p.Tyr552fs (NM_001393580.1); short protein forms Y600fs, Y421fs, Y522fs, Y552fs.
Identifiers: ClinVar variation 2023148 (VCV002023148.6), dbSNP rs2471248188, ClinGen allele CA2580069243.
Genomic context (GRCh38, chr3:33,014,135, plus strand): 5'-TGGATAAAGGTGTCCTGGGGCAAGTCTGGGATCCCACTGGGAATGGAGAAGTTCCCCATA[T>TA]AAAAGGCCGGGAGCGTGTAGTTGGATGAGTTGTGGGCCCAGGCTTCATCATGGTGGCCAC-3'

ClinVar aggregate classification (germline): Pathogenic/Likely pathogenic. Review status: criteria provided, multiple submitters, no conflicts (2 of 4 stars). 2 submissions from 2 submitters: Pathogenic (1); Likely pathogenic (1). Last evaluated 2022-08-09.

Conditions:
GM1 gangliosidosis. Identifiers: Orphanet 354, MedGen C0085131, MONDO:0018149.
Mucopolysaccharidosis, MPS-IV-B (MPS4B). Also called: MORQUIO SYNDROME B; Mucopolysaccharidosis type IV B; Mucopolysaccharidosis type 4B; Mucopolysaccharidosis type IVB (Morquio); MPS IVB; Mucopolysaccharidosis Type IVB. Identifiers: Orphanet 309310, Orphanet 582, MedGen C0086652, MONDO:0009660, OMIM 253010.
GM1 gangliosidosis type 2. Also called: GM1-GANGLIOSIDOSIS, TYPE II; GANGLIOSIDOSIS, GENERALIZED GM1, JUVENILE TYPE; GANGLIOSIDOSIS, GENERALIZED GM1, TYPE II; Gangliosidosis, Generalized GM1, Type 2; Juvenile GM>1< gangliosidosis. Identifiers: Orphanet 354, Orphanet 79256, MedGen C0268272, MONDO:0009261, OMIM 230600.
Infantile GM1 gangliosidosis. Also called: Gangliosidosis, Generalized GM1, Type 1; GM1 gangliosidosis type 1; GM1-gangliosidosis, type I; Gangliosidosis, generalized GM1, infantile form; GLB1 deficiency. Identifiers: Orphanet 354, Orphanet 79255, MedGen C0268271, MONDO:0009260, OMIM 230500.
GM1 gangliosidosis type 3. Also called: GM1-GANGLIOSIDOSIS, TYPE III; GANGLIOSIDOSIS, GENERALIZED GM1, ADULT TYPE; GANGLIOSIDOSIS, GENERALIZED GM1, CHRONIC TYPE; GANGLIOSIDOSIS, GENERALIZED GM1, TYPE III; Gangliosidosis, Generalized GM1, Type 3; Beta-galactosidase deficiency. Identifiers: Orphanet 79257, MedGen C0268273, MONDO:0009262, OMIM 230650.

Submissions (2):

Labcorp Genetics (formerly Invitae), Labcorp
Classification: Pathogenic for Mucopolysaccharidosis, MPS-IV-B; GM1 gangliosidosis. Last evaluated: 2022-08-09. Review status: criteria provided, single submitter. Criteria: Invitae Variant Classification Sherloc (09022015). Collection method: clinical testing. Allele origin: germline.
Comment: For these reasons, this variant has been classified as Pathogenic. This variant disrupts a region of the GLB1 protein in which other variant(s) (p.Arg590Cys) have been determined to be pathogenic (PMID: 16941474, 17309651, 17664528, 23430803). This suggests that this is a clinically significant region of the protein, and that variants that disrupt it are likely to be disease-causing. This variant has not been reported in the literature in individuals affected with GLB1-related conditions. This variant is not present in population databases (gnomAD no frequency). This sequence change creates a premature translational stop signal (p.Tyr552Leufs*33) in the GLB1 gene. While this is not anticipated to result in nonsense mediated decay, it is expected to disrupt the last 126 amino acid(s) of the GLB1 protein.

Juno Genomics, Hangzhou Juno Genomics, Inc
Classification: Likely pathogenic for Infantile GM1 gangliosidosis; GM1 gangliosidosis type 2; GM1 gangliosidosis type 3; Mucopolysaccharidosis, MPS-IV-B. Review status: criteria provided, single submitter. Criteria: ACMG Guidelines, 2015. Collection method: clinical testing. Allele origin: germline.
Comment: Null variant in a gene where loss of function (LOF) is a known mechanism of disease.;Absent from controls (or at extremely low frequency if recessive) in Genome Aggregation Database.

Literature cited by the submitters: PubMed 16941474 (cited by Labcorp Genetics (formerly Invitae), Labcorp); PubMed 17309651 (cited by Labcorp Genetics (formerly Invitae), Labcorp); PubMed 17664528 (cited by Labcorp Genetics (formerly Invitae), Labcorp); PubMed 23430803 (cited by Labcorp Genetics (formerly Invitae), Labcorp).